The following is an entry in ClinVar:

ClinVar aggregate classification (germline): Uncertain significance. Review status: criteria provided, multiple submitters, no conflicts (2 of 4 stars). 3 submissions from 3 submitters: Uncertain significance (3). Last evaluated 2025-05-16.

Conditions:
Inborn genetic diseases. Identifiers: MedGen C0950123, MeSH D030342.
VPS33B-related disorder. Also called: VPS33B-related condition.
Keratoderma-ichthyosis-deafness syndrome, autosomal recessive (KDIDAR). Identifiers: MedGen C5774200, MONDO:0859278, OMIM 620009.
Cholestasis, progressive familial intrahepatic, 12 (PFIC12). Also called: CHOLESTASIS, ISOLATED LOW-GGT. Identifiers: MedGen C5774311, MONDO:0031040, OMIM 620010.
Arthrogryposis, renal dysfunction, and cholestasis 1 (ARCS1). Identifiers: Orphanet 2697, MedGen C1859722, MONDO:0008822, OMIM 208085.

gnomAD v4.1: 56 of 1,614,064 alleles (0.0035%); highest among the groups gnomAD compares: Non-Finnish European, 0.0046%; no homozygotes.

Submissions (3):

Ambry Genetics
Classification: Uncertain significance for Inborn genetic diseases. Last evaluated: 2025-05-16. Review status: criteria provided, single submitter. Criteria: Ambry Variant Classification Scheme 2023. Collection method: clinical testing. Allele origin: germline.

PreventionGenetics, part of Exact Sciences
Classification: Uncertain significance for VPS33B-related condition. Last evaluated: 2025-05-01. Review status: criteria provided, single submitter. Criteria: ACMG Guidelines, 2015. Collection method: clinical testing. Allele origin: germline.
Comment: The VPS33B c.896G>C variant is predicted to result in the amino acid substitution p.Gly299Ala. To our knowledge, this variant has not been reported in the literature. This variant is reported in 0.0040% of alleles in individuals of African descent in gnomAD. At this time, the clinical significance of this variant is uncertain due to the absence of conclusive functional and genetic evidence.

Fulgent Genetics
Classification: Uncertain significance for Arthrogryposis, renal dysfunction, and cholestasis 1; Keratoderma-ichthyosis-deafness syndrome, autosomal recessive; Cholestasis, progressive familial intrahepatic, 12. Last evaluated: 2024-05-22. Review status: criteria provided, single submitter. Criteria: ACMG Guidelines, 2015. Collection method: clinical testing. Allele origin: germline.

NM_018668.5(VPS33B):c.896G>C (p.Gly299Ala)

Gene: VPS33B (VPS33B late endosome and lysosome associated; minus strand). Cytogenetic location: 15q26.1.
Variant type: single nucleotide variant.
Coding change: c.896G>C on transcript NM_018668.5 (MANE Select); coding-DNA position 896, G replaced by C.
Protein change: p.Gly299Ala; replaces glycine 299 with alanine.
Molecular consequence: missense variant.
Genome position (GRCh38, 1-based): chr15:91,006,016, C>G on the plus strand (G>C on the coding strand, the complement: VPS33B is on the minus strand). VCF-style: chr15-91006016-C-G. GRCh37 (hg19) VCF-style: chr15-91549246-C-G.
Other names: c.815G>C, p.Gly272Ala (NM_001289148.1); c.623G>C, p.Gly208Ala (NM_001289149.1); c.896G>C (NM_018668.3); short protein forms G272A, G299A, G208A.
Identifiers: ClinVar variation 3578199 (VCV003578199.3).